The following is an entry in ClinVar:

ClinVar aggregate classification (germline): Uncertain significance. Review status: criteria provided, multiple submitters, no conflicts (2 of 4 stars). 2 submissions from 2 submitters: Uncertain significance (2). Last evaluated 2024-07-01.

Conditions:
Hereditary cancer-predisposing syndrome. Also called: Hereditary Cancer Syndrome; Tumor predisposition; Hereditary neoplastic syndrome; Neoplastic Syndromes, Hereditary. Identifiers: Orphanet 140162, MedGen C0027672, MeSH D009386, MONDO:0015356.
Hereditary nonpolyposis colorectal neoplasms. Identifiers: MedGen C0009405, MeSH D003123.

Submissions (2):

Labcorp Genetics (formerly Invitae), Labcorp
Classification: Uncertain significance for Hereditary nonpolyposis colorectal neoplasms. Last evaluated: 2024-07-01. Review status: criteria provided, single submitter. Criteria: Invitae Variant Classification Sherloc (09022015). Collection method: clinical testing. Allele origin: germline.
Comment: This sequence change replaces aspartic acid, which is acidic and polar, with glutamic acid, which is acidic and polar, at codon 97 of the PMS2 protein (p.Asp97Glu). This variant is not present in population databases (gnomAD no frequency). This variant has not been reported in the literature in individuals affected with PMS2-related conditions. Advanced modeling of protein sequence and biophysical properties (such as structural, functional, and spatial information, amino acid conservation, physicochemical variation, residue mobility, and thermodynamic stability) performed at Invitae indicates that this missense variant is expected to disrupt PMS2 protein function with a positive predictive value of 80%. In summary, the available evidence is currently insufficient to determine the role of this variant in disease. Therefore, it has been classified as a Variant of Uncertain Significance.

Ambry Genetics
Classification: Uncertain significance for Hereditary cancer-predisposing syndrome. Last evaluated: 2024-06-27. Review status: criteria provided, single submitter. Criteria: Ambry Variant Classification Scheme 2023. Collection method: clinical testing. Allele origin: germline.
Comment: The p.D97E variant (also known as c.291C>G), located in coding exon 4 of the PMS2 gene, results from a C to G substitution at nucleotide position 291. The aspartic acid at codon 97 is replaced by glutamic acid, an amino acid with highly similar properties. This amino acid position is conserved. In addition, this alteration is predicted to be deleterious by in silico analysis. Based on the available evidence, the clinical significance of this variant remains unclear.

NM_000535.7(PMS2):c.291C>G (p.Asp97Glu)

Gene: PMS2 (PMS1 homolog 2, mismatch repair system component; minus strand). Cytogenetic location: 7p22.1.
Variant type: single nucleotide variant.
Coding change: c.291C>G on transcript NM_000535.7 (MANE Select); coding-DNA position 291, C replaced by G.
Protein change: p.Asp97Glu; replaces aspartic acid 97 with glutamic acid.
Molecular consequence: missense variant. On other transcripts: 5 prime UTR variant (35), non-coding transcript variant (1), intron variant (11).
Genome position (GRCh38, 1-based): chr7:6,003,752, G>C on the plus strand (C>G on the coding strand, the complement: PMS2 is on the minus strand). VCF-style: chr7-6003752-G-C. GRCh37 (hg19) VCF-style: chr7-6043383-G-C.
Other names: c.-115C>G (NM_001018040.1, NM_001322003.2, NM_001322004.2 and 14 more transcripts); c.291C>G, p.Asp97Glu (NM_001322006.2, NM_001322014.2, NM_001406869.1 and 8 more transcripts); c.-594C>G (NM_001322011.2, NM_001322012.2); c.-194C>G (NM_001322015.2, NM_001406875.1, NM_001406877.1 and 3 more transcripts); c.477C>G, p.Asp159Glu (NM_001406866.1); c.315C>G, p.Asp105Glu (NM_001406868.1); c.-141C>G (NM_001406880.1); c.-62C>G (NM_001406888.1, NM_001406889.1, NM_001406892.1 and 6 more transcripts); and 5 more; short protein forms D105E, D97E, D159E.
Identifiers: ClinVar variation 2913617 (VCV002913617.4), dbSNP rs878854049, ClinGen allele CA366744644.